The following is an entry in ClinVar:

NM_025137.4(SPG11):c.2444G>A (p.Arg815Lys)

Gene: SPG11 (SPG11 vesicle trafficking associated, spatacsin; minus strand). Cytogenetic location: 15q21.1.
Variant type: single nucleotide variant.
Coding change: c.2444G>A on transcript NM_025137.4 (MANE Select); coding-DNA position 2444, G replaced by A.
Protein change: p.Arg815Lys; replaces arginine 815 with lysine.
Molecular consequence: missense variant.
Genome position (GRCh38, 1-based): chr15:44,622,220, C>T on the plus strand (G>A on the coding strand, the complement: SPG11 is on the minus strand). VCF-style: chr15-44622220-C-T. GRCh37 (hg19) VCF-style: chr15-44914418-C-T.
Other names: c.2444G>A, p.Arg815Lys (NM_001160227.2, NM_001411132.1); short protein forms R815K.
Identifiers: ClinVar variation 1805362 (VCV001805362.7), dbSNP rs312262742, ClinGen allele CA392231811.

ClinVar aggregate classification (germline): Pathogenic/Likely pathogenic. Review status: criteria provided, multiple submitters, no conflicts (2 of 4 stars). 3 submissions from 3 submitters: Pathogenic (2); Likely pathogenic (1). Last evaluated 2024-09-28.

Conditions:
Hereditary spastic paraplegia 11. Also called: Spastic paraplegia, mental retardation and thin corpus callosum; Spastic Paraplegia 11; SPASTIC PARAPLEGIA, AUTOSOMAL RECESSIVE, COMPLICATED, WITH THIN CORPUS CALLOSUM; SPASTIC PARAPLEGIA, AUTOSOMAL RECESSIVE, WITH MENTAL IMPAIRMENT AND THIN CORPUS CALLOSUM; Nakamura Osame syndrome; Autosomal recessive hereditary spastic paraplegia, mental impairment, and thin corpus callosum. Identifiers: Orphanet 2822, MedGen C1858479, MONDO:0011445, OMIM 604360.
SPG11-related disorder. Also called: SPG11-related condition.

Allele frequency attached by ClinVar (database versions not stated): gnomAD exomes 0.00001.
gnomAD v4.1: 4 of 1,612,348 alleles (0.00025%); highest among the groups gnomAD compares: South Asian, 0.0011%; no homozygotes.

Submissions (3):

Labcorp Genetics (formerly Invitae), Labcorp
Classification: Pathogenic for Hereditary spastic paraplegia 11. Last evaluated: 2024-09-28. Review status: criteria provided, single submitter. Criteria: Invitae Variant Classification Sherloc (09022015). Collection method: clinical testing. Allele origin: germline.
Comment: This sequence change replaces arginine, which is basic and polar, with lysine, which is basic and polar, at codon 815 of the SPG11 protein (p.Arg815Lys). This variant also falls at the last nucleotide of exon 13, which is part of the consensus splice site for this exon. This variant is present in population databases (no rsID available, gnomAD 0.0009%). This missense change has been observed in individual(s) with hereditary spastic paraplegia (PMID: 33059505). In at least one individual the data is consistent with being in trans (on the opposite chromosome) from a pathogenic variant. It has also been observed to segregate with disease in related individuals. ClinVar contains an entry for this variant (Variation ID: 1805362). An algorithm developed to predict the effect of missense changes on protein structure and function (PolyPhen-2) suggests that this variant is likely to be disruptive. Variants that disrupt the consensus splice site are a relatively common cause of aberrant splicing (PMID: 17576681, 9536098). Algorithms developed to predict the effect of sequence changes on RNA splicing suggest that this variant may disrupt the consensus splice site. This variant disrupts the p.Arg815 amino acid residue in SPG11. Other variant(s) that disrupt this residue have been observed in individuals with SPG11-related conditions (PMID: 19105190), which suggests that this may be a clinically significant amino acid residue. For these reasons, this variant has been classified as Pathogenic.

Blueprint Genetics
Classification: Pathogenic for SPG11-related disorders. Last evaluated: 2024-08-27. Review status: criteria provided, single submitter. Criteria: ACMG Guidelines, 2015. Collection method: clinical testing. Allele origin: germline. Affected: yes. Observed: 5 variant alleles.

Victorian Clinical Genetics Services, Murdoch Childrens Research Institute
Classification: Likely pathogenic for Hereditary spastic paraplegia 11. Last evaluated: 2020-06-11. Review status: criteria provided, single submitter. Criteria: ACMG Guidelines, 2015. Collection method: clinical testing. Allele origin: germline. Inheritance: Autosomal recessive inheritance.
Comment: Based on the classification scheme VCGS_Germline_v1.1.1, this variant is classified as Likely Pathogenic. Following criteria are met: 0102 - Loss-of-function is a known mechanism of disease for this gene. (N) 0106 - This gene is known to be associated with autosomal recessive disease. (N) 0200 - Variant is predicted to result in a missense amino acid change from arginine to lysine (exon 13). (N) 0251 - Variant is heterozygous. (N) 0304 - Variant is present in gnomAD <0.01 for a recessive condition (1 heterozygote, 0 homozygotes). (P) 0309 - An alternative amino acid change at the same position has been observed in gnomAD (1 heterozygote, 0 homozygotes). (N) 0502 - Missense variant with conflicting in silico predictions and uninformative conservation. (N) 0604 - Variant is not located in an established domain, motif, hotspot or informative constraint region (NCBI, Decipher, PDB). (N) 0705 - No comparable variants have previous evidence for pathogenicity. (N) 0803 - Low previous evidence of pathogenicity in unrelated individuals. This variant has been previously reported in a patient with ARHSP-TCC, who also was heterozygote for a VUS missense in HYAL1 gene (PMID: 30212743). (P) 0905 - No segregation evidence has been identified for this variant. (N) 1102 - Strong phenotype match. (P) 1007 - No published functional evidence has been identified for this variant. (N) 1201 - Heterozygous variant detected in trans with a second (at least likely) pathogenic heterozygous variant in a recessive disease. (N) Legend: (P) - Pathogenic, (N) - Neutral, (B) - Benign

Literature cited by the submitters: PubMed 33059505 (cited by Labcorp Genetics (formerly Invitae), Labcorp); PubMed 17576681 (cited by Labcorp Genetics (formerly Invitae), Labcorp); PubMed 9536098 (cited by Labcorp Genetics (formerly Invitae), Labcorp); PubMed 19105190 (cited by Labcorp Genetics (formerly Invitae), Labcorp and Victorian Clinical Genetics Services, Murdoch Childrens Research Institute); PubMed 30212743 (cited by Victorian Clinical Genetics Services, Murdoch Childrens Research Institute).